The following is an entry in ClinVar:

ClinVar aggregate classification (germline): Uncertain significance (1 of 4 stars; one submission).

Allele frequency attached by ClinVar (database versions not stated): gnomAD exomes below 0.00001 and 0.00001; TOPMed below 0.00001; gnomAD 0.00001; ExAC 0.00002; ESP Exome Variant Server 0.00008.

Submission:

Labcorp Genetics (formerly Invitae), Labcorp
Classification: Uncertain significance. Last evaluated: 2021-09-15. Review status: criteria provided, single submitter. Criteria: Invitae Variant Classification Sherloc (09022015). Collection method: clinical testing. Allele origin: germline.
Comment: This variant has not been reported in the literature in individuals affected with FAR1-related conditions. This sequence change replaces leucine with valine at codon 22 of the FAR1 protein (p.Leu22Val). The leucine residue is moderately conserved and there is a small physicochemical difference between leucine and valine. This variant is present in population databases (rs142969007, ExAC 0.003%). Algorithms developed to predict the effect of missense changes on protein structure and function are either unavailable or do not agree on the potential impact of this missense change (SIFT: "Deleterious"; PolyPhen-2: "Benign"; Align-GVGD: "Class C0"). In summary, the available evidence is currently insufficient to determine the role of this variant in disease. Therefore, it has been classified as a Variant of Uncertain Significance.

NM_032228.6(FAR1):c.64C>G (p.Leu22Val)

Gene: FAR1 (fatty acyl-CoA reductase 1; plus strand). Cytogenetic location: 11p15.3.
Variant type: single nucleotide variant.
Coding change: c.64C>G on transcript NM_032228.6 (MANE Select); coding-DNA position 64, C replaced by G.
Protein change: p.Leu22Val; replaces leucine 22 with valine.
Molecular consequence: missense variant.
Genome position (GRCh38, 1-based): chr11:13,694,829, C>G. VCF-style: chr11-13694829-C-G. GRCh37 (hg19) VCF-style: chr11-13716376-C-G.
Other names: short protein forms L22V.
Identifiers: ClinVar variation 1385482 (VCV001385482.6), dbSNP rs142969007, ClinGen allele CA5893240.